The following is an entry in ClinVar:

NM_001184880.2(PCDH19):c.2761G>A (p.Val921Ile)

Gene: PCDH19 (protocadherin 19; minus strand). Cytogenetic location: Xq22.1.
Variant type: single nucleotide variant.
Coding change: c.2761G>A on transcript NM_001184880.2 (MANE Select); coding-DNA position 2761, G replaced by A.
Protein change: p.Val921Ile; replaces valine 921 with isoleucine.
Molecular consequence: missense variant.
Genome position (GRCh38, 1-based): chrX:100,341,990, C>T on the plus strand (G>A on the coding strand, the complement: PCDH19 is on the minus strand). VCF-style: chrX-100341990-C-T. GRCh37 (hg19) VCF-style: chrX-99596988-C-T.
Other names: c.2620G>A, p.Val874Ile (NM_001105243.2); c.2617G>A, p.Val873Ile (NM_020766.3); short protein forms V921I, V873I, V874I.
Identifiers: ClinVar variation 1997314 (VCV001997314.4), dbSNP rs947809681, ClinGen allele CA333821205.

ClinVar aggregate classification (germline): Uncertain significance (1 of 4 stars; one submission).

Conditions:
Developmental and epileptic encephalopathy, 9 (DEE9). Also called: Early infantile epileptic encephalopathy 9; EPILEPSY, FEMALE-RESTRICTED, WITH MENTAL RETARDATION; PCDH19-Related X-Linked Female-Limited Epilepsy with Mental Retardation; JUBERG-HELLMAN SYNDROME. Identifiers: Orphanet 101039, Orphanet 2076, MedGen C1848137, MONDO:0010246, OMIM 300088. Disease mechanism: loss of function.

Submission:

Labcorp Genetics (formerly Invitae), Labcorp
Classification: Uncertain significance for Developmental and epileptic encephalopathy, 9. Last evaluated: 2022-05-21. Review status: criteria provided, single submitter. Criteria: Invitae Variant Classification Sherloc (09022015). Collection method: clinical testing. Allele origin: germline.
Comment: This variant is not present in population databases (gnomAD no frequency). This sequence change replaces valine, which is neutral and non-polar, with isoleucine, which is neutral and non-polar, at codon 921 of the PCDH19 protein (p.Val921Ile). This variant has not been reported in the literature in individuals affected with PCDH19-related conditions. In summary, the available evidence is currently insufficient to determine the role of this variant in disease. Therefore, it has been classified as a Variant of Uncertain Significance. Advanced modeling of protein sequence and biophysical properties (such as structural, functional, and spatial information, amino acid conservation, physicochemical variation, residue mobility, and thermodynamic stability) performed at Invitae indicates that this missense variant is not expected to disrupt PCDH19 protein function.